The following is an entry in ClinVar:

NM_000388.4(CASR):c.1144G>A (p.Asp382Asn)

Gene: CASR (calcium sensing receptor; plus strand). Cytogenetic location: 3q21.1.
Variant type: single nucleotide variant.
Coding change: c.1144G>A on transcript NM_000388.4 (MANE Select); coding-DNA position 1144, G replaced by A.
Protein change: p.Asp382Asn; replaces aspartic acid 382 with asparagine.
Molecular consequence: missense variant.
Genome position (GRCh38, 1-based): chr3:122,262,179, G>A. VCF-style: chr3-122262179-G-A. GRCh37 (hg19) VCF-style: chr3-121981026-G-A.
Other names: c.1144G>A, p.Asp382Asn (NM_001178065.2); short protein forms D382N.
Identifiers: ClinVar variation 463892 (VCV000463892.23), dbSNP rs199980578, ClinGen allele CA2569602.

ClinVar aggregate classification (germline): Conflicting classifications of pathogenicity. Review status: criteria provided, conflicting classifications (1 of 4 stars). 6 submissions from 6 submitters: Uncertain significance (5); Likely benign (1). Last evaluated 2025-09-24.

Conditions:
Nephrolithiasis/nephrocalcinosis. Identifiers: MedGen CN580796.
Familial hypocalciuric hypercalcemia (FHH). Also called: Familial benign hypercalcemia. Identifiers: Orphanet 405, MedGen C1809471, MONDO:0018458.
Autosomal dominant hypocalcemia 1 (HYPOC1). Also called: HYPOCALCEMIA, FAMILIAL. Identifiers: MedGen C3715128, MONDO:0011013, OMIM 601198.
Familial hypocalciuric hypercalcemia 1. Also called: Hypercalcemia, familial benign type 1. Identifiers: Orphanet 405, Orphanet 93372, MedGen C0342637, MONDO:0007791, OMIM 145980.
Neonatal severe primary hyperparathyroidism. Identifiers: Orphanet 417, MedGen C1832615, MONDO:0009397, OMIM 239200.
Epilepsy, idiopathic generalized, susceptibility to, 8. Identifiers: MedGen C2752062, MONDO:0013032, OMIM 612899.

Allele frequency attached by ClinVar (database versions not stated): TOPMed 0.00002; ExAC 0.00003; gnomAD 0.00003; gnomAD exomes 0.00004.
gnomAD v4.1: 24 of 1,614,160 alleles (0.0015%); highest among the groups gnomAD compares: Non-Finnish European, 0.0019%; no homozygotes.

Submissions (6):

Labcorp Genetics (formerly Invitae), Labcorp
Classification: Likely benign for Familial hypocalciuric hypercalcemia; Autosomal dominant hypocalcemia 1. Last evaluated: 2025-09-24. Review status: criteria provided, single submitter. Criteria: Invitae Variant Classification Sherloc (09022015). Collection method: clinical testing. Allele origin: germline.

GeneDx
Classification: Uncertain significance. Last evaluated: 2023-05-16. Review status: criteria provided, single submitter. Criteria: GeneDx Variant Classification Process June 2021. Collection method: clinical testing. Allele origin: germline. Affected: yes.
Comment: Identified heterozygous in a patient with familial hypocalciuric hypercalcemia (Shaw-Jone et al., 2022); In silico analysis supports that this missense variant does not alter protein structure/function; This variant is associated with the following publications: (PMID: 35789394)

Ambry Genetics
Classification: Uncertain significance for Nephrolithiasis/nephrocalcinosis. Last evaluated: 2022-11-23. Review status: criteria provided, single submitter. Criteria: Ambry Variant Classification Scheme 2023. Collection method: clinical testing. Allele origin: germline.
Comment: The p.D382N variant (also known as c.1144G>A), located in coding exon 3 of the CASR gene, results from a G to A substitution at nucleotide position 1144. The aspartic acid at codon 382 is replaced by asparagine, an amino acid with highly similar properties. This amino acid position is poorly conserved in available vertebrate species, and asparagine is the reference amino acid in other vertebrate species. In addition, this alteration is predicted to be tolerated by in silico analysis. Since supporting evidence is limited at this time, the clinical significance of this alteration remains unclear.

Fulgent Genetics
Classification: Uncertain significance for Familial hypocalciuric hypercalcemia 1; Neonatal severe primary hyperparathyroidism; Autosomal dominant hypocalcemia 1; Epilepsy, idiopathic generalized, susceptibility to, 8. Last evaluated: 2022-01-04. Review status: criteria provided, single submitter. Criteria: ACMG Guidelines, 2015. Collection method: clinical testing. Allele origin: unknown.

Institute for Clinical Genetics, University Hospital TU Dresden, University Hospital TU Dresden
Classification: Uncertain significance. Last evaluated: 2021-11-03. Review status: criteria provided, single submitter. Criteria: ACMG Guidelines, 2015. Collection method: clinical testing. Allele origin: germline.

Revvity Omics, Revvity
Classification: Uncertain significance. Last evaluated: 2021-05-14. Review status: criteria provided, single submitter. Criteria: ACMG Guidelines, 2015. Collection method: clinical testing. Allele origin: germline.